The following is an entry in ClinVar:

NM_000203.5(IDUA):c.1240del (p.Ser414fs)

Gene: IDUA (alpha-L-iduronidase; plus strand). Cytogenetic location: 4p16.3.
Variant type: Deletion.
Coding change: c.1240del on transcript NM_000203.5 (MANE Select); coding-DNA position 1240, one base deleted (A; older notation c.1240delA).
Protein change: p.Ser414fs; shifts the reading frame from serine 414.
Molecular consequence: frameshift variant. On other transcripts: non-coding transcript variant (1).
Genome position (GRCh38, 1-based): chr4:1,002,782, A deleted. VCF-style (leftmost placement, unchanged base first): chr4-1002781-CA-C. GRCh37 (hg19) VCF-style: chr4-996569-CA-C.
Other names: NM_001363576.1:c.844del; c.844del, p.Ser282fs (NM_001363576.1); c.1240delA (NM_000203.4); short protein forms S282fs, S414fs.
Identifiers: ClinVar variation 4086094 (VCV004086094.2).

ClinVar aggregate classification (germline): Likely pathogenic. Review status: reviewed by expert panel (3 of 4 stars). 2 submissions from 2 submitters: Likely pathogenic (1). 1 of the submissions does not count toward it. Last evaluated 2025-06-16.

Conditions:
Mucopolysaccharidosis type 1. Also called: IDUA deficiency; MPS I; Mucopolysaccharidosis Type I. Identifiers: Orphanet 579, MedGen C0023786, MONDO:0001586.

Submissions (2):

ClinGen Lysosomal Storage Disorder Variant Curation Expert Panel
Classification: Likely pathogenic for Mucopolysaccharidosis type 1. Last evaluated: 2025-06-16. Review status: reviewed by expert panel. Criteria: ClinGen LSD ACMG Specifications IDUA V1.0.0. Collection method: curation. Allele origin: germline. Inheritance: Autosomal recessive inheritance.
Comment: The NM_000203.5:c.1240del (p.Ser414AlafsTer26) variant in IDUA is a frameshift variant predicted to cause a premature stop codon in biologically-relevant-exon 9 out of 14 exons, leading to nonsense mediated decay in a gene in which loss-of-function is an established disease mechanism (PVS1). The variant is absent in gnomAD v4.1.0. (PM2_Supporting). One individual with MPS I of "unknown phenotypic severity" and confirmed IDUA deficiency has been reported (insufficient detail to apply PP4). This individual is compound heterozygous for the variant and another variant in IDUA, c.614G>A (p.Cys205Tyr). The allelic data from this patient will be used in the classification of p.Cys205Tyr and is not be included here to avoid circular logic. The classification of this variant has been upgraded from Variant of Uncertain Significance to Likely Pathogenic based on the recommendations of the ClinGen Sequence Variant Interpretation Working Group, that a variant meeting PVS1 and PM2_Supporting is classified as Likely Pathogenic. IDUA-specification ACMG/AMP criteria met, as specified by the ClinGen Lysosomal Diseases Variant Curation Expert Panel (Specifications Version 1.0.0.): PVS1, PM2_Supporting. (Classification approved by the ClinGen Lysosomal Diseases Variant Curation Expert Panel on June 16, 2025)

Natera, Inc.
Classification: Pathogenic for Mucopolysaccharidosis type I. Last evaluated: 2024-02-25. Review status: criteria provided, single submitter. Criteria: Natera Variant Classification Schema (03/2026). Collection method: clinical testing. Allele origin: germline. Not counted in ClinVar's aggregate classification.
Comment: The c.1240delA variant in IDUA is a frameshift variant predicted to shift the reading frame beginning at codon 414 and leads to a stop codon 26 codons downstream. This variant is expected to result in nonsense mediated decay, truncation, or a dysfunctional protein product. This variant is rare in the general population with a frequency below the threshold expected for the associated phenotype(s). This variant has been observed in one or more individuals affected with the associated recessive disease, as either homozygous or compound heterozygous with a second variant (PMID: 33301762, 28752568). Given the available evidence, this variant is classified as Pathogenic.

Literature cited by the submitters: PubMed 33301762 (cited by Natera, Inc.); PubMed 28752568 (cited by Natera, Inc.).